The following is an entry in ClinVar:

NM_024753.5(TTC21B):c.2272T>C (p.Leu758=)

Gene: TTC21B (tetratricopeptide repeat domain 21B; minus strand). Cytogenetic location: 2q24.3.
Variant type: single nucleotide variant.
Coding change: c.2272T>C on transcript NM_024753.5 (MANE Select); coding-DNA position 2272, T replaced by C.
Protein change: p.Leu758=; no amino-acid change (leucine 758 retained).
Molecular consequence: synonymous variant.
Genome position (GRCh38, 1-based): chr2:165,912,564, A>G on the plus strand (T>C on the coding strand, the complement: TTC21B is on the minus strand). VCF-style: chr2-165912564-A-G. GRCh37 (hg19) VCF-style: chr2-166769074-A-G.
Other names: c.2272T>C (NM_024753.4).
Identifiers: ClinVar variation 1139270 (VCV001139270.12), dbSNP rs111228450, ClinGen allele CA1941877.

ClinVar aggregate classification (germline): Likely benign. Review status: criteria provided, multiple submitters, no conflicts (2 of 4 stars). 4 submissions from 4 submitters: Likely benign (4). Last evaluated 2025-08-11.

Conditions:
Jeune thoracic dystrophy. Also called: Jeune syndrome; Infantile thoracic dystrophy; Thoracic pelvic phalangeal dystrophy; Jeune's syndrome; Chondroectodermal dysplasia-like syndrome; Short-rib thoracic dysplasia. Identifiers: Orphanet 474, MedGen C0265275, MONDO:0018770.
Nephronophthisis. Also called: Juvenile Nephronophthisis. Identifiers: Orphanet 655, MedGen C0687120, MONDO:0019005, HP:0000090.
TTC21B-related disorder. Also called: TTC21B-related condition; TTC21B-related disorders.
Asphyxiating thoracic dystrophy 4 (SRTD4). Also called: SHORT-RIB THORACIC DYSPLASIA 4 WITH OR WITHOUT POLYDACTYLY; SHORT-RIB THORACIC DYSPLASIA 4. Identifiers: Orphanet 474, MedGen C3151185, MONDO:0013441, OMIM 613819.
Nephronophthisis 12 (NPHP12). Identifiers: Orphanet 655, MedGen C3151186, MONDO:0013442, OMIM 613820.

Allele frequency attached by ClinVar (database versions not stated): gnomAD exomes 0.00003 and 0.00006; ExAC 0.00004; gnomAD 0.00004 and 0.00005; TOPMed 0.00007; ESP Exome Variant Server 0.00015.
gnomAD v4.1: 68 of 1,614,116 alleles (0.0042%); highest among the groups gnomAD compares: African/African-American, 0.041%; no homozygotes.

Submissions (4):

Labcorp Genetics (formerly Invitae), Labcorp
Classification: Likely benign for Jeune thoracic dystrophy; Nephronophthisis. Last evaluated: 2025-08-11. Review status: criteria provided, single submitter. Criteria: Invitae Variant Classification Sherloc (09022015). Collection method: clinical testing. Allele origin: germline.

PreventionGenetics, part of Exact Sciences
Classification: Likely benign for TTC21B-related condition. Last evaluated: 2025-03-09. Review status: criteria provided, single submitter. Criteria: ACMG Guidelines, 2015. Collection method: clinical testing. Allele origin: germline.
Comment: This variant is classified as likely benign based on ACMG/AMP sequence variant interpretation guidelines (Richards et al. 2015 PMID: 25741868, with internal and published modifications).

Blueprint Genetics
Classification: Likely benign. Last evaluated: 2022-05-04. Review status: criteria provided, single submitter. Criteria: ACMG Guidelines, 2015. Collection method: clinical testing. Allele origin: germline.

Fulgent Genetics
Classification: Likely benign for Asphyxiating thoracic dystrophy 4; Nephronophthisis 12. Last evaluated: 2021-11-24. Review status: criteria provided, single submitter. Criteria: ACMG Guidelines, 2015. Collection method: clinical testing. Allele origin: unknown.